The following is an entry in ClinVar:

NM_016213.5(TRIP4):c.369G>A (p.Thr123=)

Gene: TRIP4 (thyroid hormone receptor interactor 4; plus strand). Cytogenetic location: 15q22.31.
Variant type: single nucleotide variant.
Coding change: c.369G>A on transcript NM_016213.5 (MANE Select); coding-DNA position 369, G replaced by A.
Protein change: p.Thr123=; no amino-acid change (threonine 123 retained).
Molecular consequence: synonymous variant. On other transcripts: 5 prime UTR variant (1), non-coding transcript variant (1).
Genome position (GRCh38, 1-based): chr15:64,395,495, G>A. VCF-style: chr15-64395495-G-A. GRCh37 (hg19) VCF-style: chr15-64687694-G-A.
Other names: p.Thr123=; c.-322G>A (NM_001321924.2).
Identifiers: ClinVar variation 714598 (VCV000714598.11), dbSNP rs146589758, ClinGen allele CA7609355.
Genomic context (GRCh38, chr15:64,395,495, plus strand): 5'-GCGGGGTAGGAAGAAAGGGAGAAACAGACAGGAAGTTCCTGCATTTACTGAACCTGACAC[G>A]ACTGCAGAGGTTAAAACACCTTTTGATTTGGCCAAGGTGAGTGCTTATAGATTGAAGCTT-3'
Protein context (NP_057297.2, residues 113-133): QEVPAFTEPD[Thr123=]TAEVKTPFDL

ClinVar aggregate classification (germline): Benign/Likely benign. Review status: criteria provided, multiple submitters, no conflicts (2 of 4 stars). 2 submissions from 2 submitters: Benign (1); Likely benign (1). Last evaluated 2026-01-26.

Allele frequency attached by ClinVar (database versions not stated): 1000 Genomes Project 30x 0.00031; TOPMed 0.00109; ESP Exome Variant Server 0.00161.
gnomAD v4.1: 1,138 of 1,613,654 alleles (0.071%); highest among the groups gnomAD compares: African/African-American, 0.25%; 1 homozygote.

Submissions (2):

Labcorp Genetics (formerly Invitae), Labcorp
Classification: Benign. Last evaluated: 2026-01-26. Review status: criteria provided, single submitter. Criteria: Invitae Variant Classification Sherloc (09022015). Collection method: clinical testing. Allele origin: germline.

Mayo Clinic Laboratories, Mayo Clinic
Classification: Likely benign. Last evaluated: 2025-09-11. Review status: criteria provided, single submitter. Criteria: ACMG Guidelines, 2015. Collection method: clinical testing. Allele origin: germline. Observed: 1 variant allele.
Comment: BS1, BP4, BP7